The following is an entry in ClinVar:

ClinVar aggregate classification (germline): Uncertain significance (1 of 4 stars; one submission).

Allele frequency attached by ClinVar (database versions not stated): ExAC 0.00001; gnomAD 0.00001; gnomAD exomes 0.00001; TOPMed 0.00003; ESP Exome Variant Server 0.00008.
gnomAD v4.1: 9 of 1,613,924 alleles (0.00056%); highest among the groups gnomAD compares: Non-Finnish European, 0.00076%; no homozygotes.

Submission:

Labcorp Genetics (formerly Invitae), Labcorp
Classification: Uncertain significance. Last evaluated: 2024-02-16. Review status: criteria provided, single submitter. Criteria: Invitae Variant Classification Sherloc (09022015). Collection method: clinical testing. Allele origin: germline.
Comment: This sequence change replaces alanine, which is neutral and non-polar, with threonine, which is neutral and polar, at codon 70 of the ZNF143 protein (p.Ala70Thr). This variant is present in population databases (rs372568844, gnomAD 0.0009%). This variant has not been reported in the literature in individuals affected with ZNF143-related conditions. An algorithm developed to predict the effect of missense changes on protein structure and function (PolyPhen-2) suggests that this variant is likely to be tolerated. In summary, the available evidence is currently insufficient to determine the role of this variant in disease. Therefore, it has been classified as a Variant of Uncertain Significance.

NM_003442.6(ZNF143):c.208G>A (p.Ala70Thr)

Gene: ZNF143 (zinc finger protein 143; plus strand). Cytogenetic location: 11p15.4.
Variant type: single nucleotide variant.
Coding change: c.208G>A on transcript NM_003442.6 (MANE Select); coding-DNA position 208, G replaced by A.
Protein change: p.Ala70Thr; replaces alanine 70 with threonine.
Molecular consequence: missense variant.
Genome position (GRCh38, 1-based): chr11:9,473,943, G>A. VCF-style: chr11-9473943-G-A. GRCh37 (hg19) VCF-style: chr11-9495490-G-A.
Other names: c.208G>A, p.Ala70Thr (NM_001282656.2); c.115G>A, p.Ala39Thr (NM_001282657.2); short protein forms A39T, A70T.
Identifiers: ClinVar variation 3003232 (VCV003003232.3), dbSNP rs372568844, ClinGen allele CA5879291.